The following is an entry in ClinVar:

NM_145725.3(TRAF3):c.16A>G (p.Lys6Glu)

Gene: TRAF3 (TNF receptor associated factor 3; plus strand). Cytogenetic location: 14q32.32.
Variant type: single nucleotide variant.
Coding change: c.16A>G on transcript NM_145725.3 (MANE Select); coding-DNA position 16, A replaced by G.
Protein change: p.Lys6Glu; replaces lysine 6 with glutamic acid.
Molecular consequence: missense variant.
Genome position (GRCh38, 1-based): chr14:102,870,217, A>G. VCF-style: chr14-102870217-A-G. GRCh37 (hg19) VCF-style: chr14-103336554-A-G.
Other names: c.16A>G, p.Lys6Glu (NM_001199427.2, NM_001385142.1, NM_001385143.1 and 2 more transcripts); short protein forms K6E.
Identifiers: ClinVar variation 1055198 (VCV001055198.9), dbSNP rs1292084798, ClinGen allele CA391069523.

ClinVar aggregate classification (germline): Uncertain significance (1 of 4 stars; one submission).

Conditions:
Immunodeficiency 132A. Also called: Herpes simplex encephalitis, susceptibility to, 3. Identifiers: Orphanet 1930, MedGen C3553868, MONDO:0013920, OMIM 614849.

Allele frequency attached by ClinVar (database versions not stated): gnomAD 0.00001; TOPMed 0.00002.
gnomAD v4.1: 1 of 1,614,054 alleles (0.000062%); highest among the groups gnomAD compares: African/African-American, 0.0013%; no homozygotes.

Submission:

Labcorp Genetics (formerly Invitae), Labcorp
Classification: Uncertain significance for Immunodeficiency 132A. Last evaluated: 2021-01-25. Review status: criteria provided, single submitter. Criteria: Invitae Variant Classification Sherloc (09022015). Collection method: clinical testing. Allele origin: germline.
Comment: This sequence change replaces lysine with glutamic acid at codon 6 of the TRAF3 protein (p.Lys6Glu). The lysine residue is moderately conserved and there is a small physicochemical difference between lysine and glutamic acid. This variant is not present in population databases (ExAC no frequency). This variant has not been reported in the literature in individuals with TRAF3-related conditions. Algorithms developed to predict the effect of missense changes on protein structure and function are either unavailable or do not agree on the potential impact of this missense change (SIFT: "Deleterious"; PolyPhen-2: "Possibly Damaging"; Align-GVGD: "Class C0"). In summary, the available evidence is currently insufficient to determine the role of this variant in disease. Therefore, it has been classified as a Variant of Uncertain Significance.